The following is an entry in ClinVar:

ClinVar aggregate classification (germline): Uncertain significance (1 of 4 stars; one submission).

Conditions:
KSR2-related disorder. Also called: KSR2-related condition.

gnomAD v4.1: 4 of 1,613,264 alleles (0.00025%); highest among the groups gnomAD compares: Non-Finnish European, 0.00034%; no homozygotes.

Submission:

PreventionGenetics, part of Exact Sciences
Classification: Uncertain significance for KSR2-related condition. Last evaluated: 2026-04-16. Review status: criteria provided, single submitter. Criteria: ACMG Guidelines, 2015. Collection method: clinical testing. Allele origin: germline.
Comment: The KSR2 c.218G>A variant is predicted to result in the amino acid substitution p.Arg73His. To our knowledge, this variant has not been reported in the literature. This variant is reported in 0.0029% of alleles in individuals of Latino descent in gnomAD. At this time, the clinical significance of this variant is uncertain due to the absence of conclusive functional and genetic evidence.

NM_173598.6(KSR2):c.305G>A (p.Arg102His)

Gene: KSR2 (kinase suppressor of ras 2; minus strand). Cytogenetic location: 12q24.23.
Variant type: single nucleotide variant.
Coding change: c.305G>A on transcript NM_173598.6 (MANE Select); coding-DNA position 305, G replaced by A.
Protein change: p.Arg102His; replaces arginine 102 with histidine.
Molecular consequence: missense variant.
Genome position (GRCh38, 1-based): chr12:117,860,307, C>T on the plus strand (G>A on the coding strand, the complement: KSR2 is on the minus strand). VCF-style: chr12-117860307-C-T. GRCh37 (hg19) VCF-style: chr12-118298112-C-T.
Other names: short protein forms R102H.
Identifiers: ClinVar variation 4990799 (VCV004990799.1).